The following is an entry in ClinVar:

ClinVar aggregate classification (germline): Uncertain significance (1 of 4 stars; one submission).

Conditions:
Developmental and epileptic encephalopathy, 42 (DEE42A). Also called: DEVELOPMENTAL AND EPILEPTIC ENCEPHALOPATHY 42A; EPILEPTIC ENCEPHALOPATHY, EARLY INFANTILE, 42A; Epileptic encephalopathy, early infantile, 42. Identifiers: MedGen C4310716, MONDO:0014917, OMIM 617106.
Episodic ataxia type 2 (EA2). Also called: ACETAZOLAMIDE-RESPONSIVE HEREDITARY PAROXYSMAL CEREBELLAR ATAXIA; EPISODIC ATAXIA, NYSTAGMUS-ASSOCIATED; ATAXIA, EPISODIC, WITH NYSTAGMUS; ATAXIA, FAMILIAL PAROXYSMAL; CEREBELLAR ATAXIA, PAROXYSMAL, ACETAZOLAMIDE-RESPONSIVE; CEREBELLOPATHY, HEREDITARY PAROXYSMAL. Identifiers: Orphanet 97, MedGen C1720416, MONDO:0007163, OMIM 108500.

Allele frequency attached by ClinVar (database versions not stated): gnomAD exomes below 0.00001; TOPMed below 0.00001.
gnomAD v4.1: 1 of 1,543,392 alleles (0.000065%); highest among the groups gnomAD compares: South Asian, 0.0012%; no homozygotes.

Submission:

Labcorp Genetics (formerly Invitae), Labcorp
Classification: Uncertain significance for Developmental and epileptic encephalopathy, 42; Episodic ataxia type 2. Last evaluated: 2020-10-30. Review status: criteria provided, single submitter. Criteria: Invitae Variant Classification Sherloc (09022015). Collection method: clinical testing. Allele origin: germline.
Comment: This sequence change replaces histidine with arginine at codon 1027 of the CACNA1A protein (p.His1027Arg). The histidine residue is highly conserved and there is a small physicochemical difference between histidine and arginine. This variant is not present in population databases (ExAC no frequency). This variant has not been reported in the literature in individuals with CACNA1A-related conditions. Advanced modeling of protein sequence and biophysical properties (such as structural, functional, and spatial information, amino acid conservation, physicochemical variation, residue mobility, and thermodynamic stability) performed at Invitae indicates that this missense variant is not expected to disrupt CACNA1A protein function. In summary, the available evidence is currently insufficient to determine the role of this variant in disease. Therefore, it has been classified as a Variant of Uncertain Significance.

NM_001127222.2(CACNA1A):c.3077A>G (p.His1026Arg)

Gene: CACNA1A (calcium voltage-gated channel subunit alpha1 A; minus strand). Cytogenetic location: 19p13.13.
Variant type: single nucleotide variant.
Coding change: c.3077A>G on transcript NM_001127222.2 (MANE Select); coding-DNA position 3077, A replaced by G.
Protein change: p.His1026Arg; replaces histidine 1026 with arginine.
Molecular consequence: missense variant.
Genome position (GRCh38, 1-based): chr19:13,298,556, T>C on the plus strand (A>G on the coding strand, the complement: CACNA1A is on the minus strand). VCF-style: chr19-13298556-T-C. GRCh37 (hg19) VCF-style: chr19-13409370-T-C.
Other names: c.3089A>G, p.His1030Arg (NM_000068.4, NM_023035.3); c.3080A>G, p.His1027Arg (NM_001127221.2, NM_001174080.2); short protein forms H1026R, H1027R, H1030R.
Identifiers: ClinVar variation 1010108 (VCV001010108.9), dbSNP rs2057717972, ClinGen allele CA404342118.